The following is an entry in ClinVar:

NM_005633.4(SOS1):c.1496T>C (p.Val499Ala)

Gene: SOS1 (SOS Ras/Rac guanine nucleotide exchange factor 1; minus strand). Cytogenetic location: 2p22.1.
Variant type: single nucleotide variant.
Coding change: c.1496T>C on transcript NM_005633.4 (MANE Select); coding-DNA position 1496, T replaced by C.
Protein change: p.Val499Ala; replaces valine 499 with alanine.
Molecular consequence: missense variant.
Genome position (GRCh38, 1-based): chr2:39,022,932, A>G on the plus strand (T>C on the coding strand, the complement: SOS1 is on the minus strand). VCF-style: chr2-39022932-A-G. GRCh37 (hg19) VCF-style: chr2-39250073-A-G.
Other names: c.1475T>C, p.Val492Ala (NM_001382394.1); c.1496T>C, p.Val499Ala (NM_001382395.1); short protein forms V492A, V499A.
Identifiers: ClinVar variation 3447299 (VCV003447299.1).

ClinVar aggregate classification (germline): Uncertain significance (1 of 4 stars; one submission).

Conditions:
Cardiovascular phenotype. Identifiers: MedGen CN230736.

gnomAD v4.1: 5 of 1,613,148 alleles (0.00031%); highest among the groups gnomAD compares: African/African-American, 0.0053%; no homozygotes.

Submission:

Ambry Genetics
Classification: Uncertain significance for Cardiovascular phenotype. Last evaluated: 2024-11-22. Review status: criteria provided, single submitter. Criteria: Ambry Variant Classification Scheme 2023. Collection method: clinical testing. Allele origin: germline.
Comment: The p.V499A variant (also known as c.1496T>C), located in coding exon 10 of the SOS1 gene, results from a T to C substitution at nucleotide position 1496. The valine at codon 499 is replaced by alanine, an amino acid with similar properties. This amino acid position is well conserved in available vertebrate species. In addition, the in silico prediction for this alteration is inconclusive. Based on the available evidence, the clinical significance of this variant remains unclear.

Literature cited by the submitters: PubMed 37102284.